The following is an entry in ClinVar:

ClinVar aggregate classification (germline): Likely benign (0 of 4 stars; one submission).

Conditions:
NCOA1-related disorder. Also called: NCOA1-related condition.

gnomAD v4.1: 26 of 1,613,702 alleles (0.0016%); highest among the groups gnomAD compares: Non-Finnish European, 0.002%; no homozygotes.

Submission:

PreventionGenetics, part of Exact Sciences
Classification: Likely benign for NCOA1-related condition. Last evaluated: 2022-12-15. Review status: no assertion criteria provided. Collection method: clinical testing. Allele origin: germline.
Comment: This variant is classified as likely benign based on ACMG/AMP sequence variant interpretation guidelines (Richards et al. 2015 PMID: 25741868, with internal and published modifications).

NM_003743.5(NCOA1):c.924T>G (p.Ser308=)

Gene: NCOA1 (nuclear receptor coactivator 1; plus strand). Cytogenetic location: 2p23.3.
Variant type: single nucleotide variant.
Coding change: c.924T>G on transcript NM_003743.5 (MANE Select); coding-DNA position 924, T replaced by G.
Protein change: p.Ser308=; no amino-acid change (serine 308 retained).
Molecular consequence: synonymous variant.
Genome position (GRCh38, 1-based): chr2:24,697,773, T>G. VCF-style: chr2-24697773-T-G. GRCh37 (hg19) VCF-style: chr2-24920642-T-G.
Other names: c.924T>G, p.Ser308= (NM_001362950.1, NM_001362952.1, NM_001362954.1 and 3 more transcripts).
Identifiers: ClinVar variation 3354557 (VCV003354557.1).